The following is an entry in ClinVar:

ClinVar aggregate classification (germline): Uncertain significance. Review status: criteria provided, multiple submitters, no conflicts (2 of 4 stars). 3 submissions from 3 submitters: Uncertain significance (3). Last evaluated 2025-05-15.

Conditions:
Autosomal recessive limb-girdle muscular dystrophy type 2W (MDRCMTT). Also called: Muscular dystrophy, limb-girdle, type 2W; Muscular dystrophy, autosomal recessive, with cardiomyopathy and triangular tongue. Identifiers: MedGen C4225192, MONDO:0014788, OMIM 616827.

Submissions (3):

Labcorp Genetics (formerly Invitae), Labcorp
Classification: Uncertain significance for Autosomal recessive limb-girdle muscular dystrophy type 2W. Last evaluated: 2025-05-15. Review status: criteria provided, single submitter. Criteria: Invitae Variant Classification Sherloc (09022015). Collection method: clinical testing. Allele origin: germline.
Comment: This variant, c.414_416del, results in the deletion of 1 amino acid(s) of the LIMS2 protein (p.Lys138del), but otherwise preserves the integrity of the reading frame. This variant is present in population databases (rs762526323, gnomAD 0.01%). This variant has not been reported in the literature in individuals affected with LIMS2-related conditions. Experimental studies and prediction algorithms are not available or were not evaluated, and the functional significance of this variant is currently unknown. In summary, the available evidence is currently insufficient to determine the role of this variant in disease. Therefore, it has been classified as a Variant of Uncertain Significance.

Kariminejad - Najmabadi Pathology & Genetics Center
Classification: Uncertain significance for Autosomal recessive limb-girdle muscular dystrophy type 2W. Last evaluated: 2022-11-26. Review status: criteria provided, single submitter. Criteria: ACMG Guidelines, 2015. Collection method: clinical testing. Allele origin: germline. Inheritance: Autosomal recessive inheritance. Affected: yes.
Comment: PM2, PM4

Revvity Omics, Revvity
Classification: Uncertain significance for Autosomal recessive limb-girdle muscular dystrophy type 2W. Last evaluated: 2021-06-27. Review status: criteria provided, single submitter. Criteria: ACMG Guidelines, 2015. Collection method: clinical testing. Allele origin: germline.

NM_001161403.3(LIMS2):c.345GAA[1] (p.Lys116del)

Gene: LIMS2 (LIM zinc finger domain containing 2; minus strand). Cytogenetic location: 2q14.3.
Variant type: Microsatellite.
Coding change: c.345GAA[1] on transcript NM_001161403.3 (MANE Select); one copy of the 3-base unit GAA starting at c.345; the reference has two copies in a row; one copy, 3 bases deleted.
Protein change: p.Lys116del; deletes lysine 116.
Molecular consequence: inframe deletion.
Genome position (GRCh38, 1-based): chr2:127,654,433-127,654,435, TTC deleted on the plus strand (GAA on the coding strand, the reverse complement: LIMS2 is on the minus strand); deleting any 3 consecutive bases within chr2:127,654,433-127,654,438 gives the same sequence; the position shown is the placement nearest the transcript's 3' end. VCF-style (leftmost placement, unchanged base first): chr2-127654432-ATTC-A. GRCh37 (hg19) VCF-style: chr2-128412006-ATTC-A.
Other names: c.348_350delGAA (NM_001161403.3); c.411GAA[1], p.Lys138del (NM_001136037.4); c.330GAA[1], p.Lys111del (NM_001161404.2); c.417GAA[1], p.Lys140del (NM_017980.5); c.414_416del (NM_001136037.3); short protein forms K111del, K116del, K140del, K138del.
Identifiers: ClinVar variation 1041213 (VCV001041213.9), dbSNP rs762526323, ClinGen allele CA1863443.